The following is an entry in ClinVar:

NM_000038.6(APC):c.3698C>T (p.Pro1233Leu)

Gene: APC (APC regulator of Wnt signaling pathway; plus strand). Cytogenetic location: 5q22.2.
Variant type: single nucleotide variant.
Coding change: c.3698C>T on transcript NM_000038.6 (MANE Select); coding-DNA position 3698, C replaced by T.
Protein change: p.Pro1233Leu; replaces proline 1233 with leucine.
Molecular consequence: missense variant.
Genome position (GRCh38, 1-based): chr5:112,839,292, C>T. VCF-style: chr5-112839292-C-T. GRCh37 (hg19) VCF-style: chr5-112174989-C-T.
Other names: c.3698C>T, p.Pro1233Leu (NM_001127510.3, NM_001354895.2); c.3644C>T, p.Pro1215Leu (NM_001127511.3); c.3752C>T, p.Pro1251Leu (NM_001354896.2); c.3728C>T, p.Pro1243Leu (NM_001354897.2); c.3623C>T, p.Pro1208Leu (NM_001354898.2); c.3614C>T, p.Pro1205Leu (NM_001354899.2); c.3575C>T, p.Pro1192Leu (NM_001354900.2); c.3521C>T, p.Pro1174Leu (NM_001354901.2); and 5 more; short protein forms P1215L, P1233L, P1192L, P1208L, P1132L, P1142L, P1174L, P950L.
Identifiers: ClinVar variation 411485 (VCV000411485.54), dbSNP rs1060503331, ClinGen allele CA16029450.

ClinVar aggregate classification (germline): Uncertain significance. Review status: criteria provided, multiple submitters, no conflicts (2 of 4 stars). 3 submissions from 3 submitters: Uncertain significance (3). Last evaluated 2023-08-03.

Conditions:
Familial adenomatous polyposis 1 (FAP1). Also called: FAMILIAL ADENOMATOUS POLYPOSIS 1, ATTENUATED; POLYPOSIS, ADENOMATOUS INTESTINAL. Identifiers: MedGen C2713442, MONDO:0021056, OMIM 175100. Disease mechanism: loss of function.
Hereditary cancer-predisposing syndrome. Also called: Tumor predisposition; Hereditary Cancer Syndrome; Hereditary neoplastic syndrome; Neoplastic Syndromes, Hereditary. Identifiers: Orphanet 140162, MedGen C0027672, MeSH D009386, MONDO:0015356.

Allele frequency attached by ClinVar (database versions not stated): gnomAD exomes below 0.00001.
gnomAD v4.1: 1 of 1,614,156 alleles (0.000062%); highest among the groups gnomAD compares: Non-Finnish European, 0.000085%; no homozygotes.

Submissions (3):

Labcorp Genetics (formerly Invitae), Labcorp
Classification: Uncertain significance for Familial adenomatous polyposis 1. Last evaluated: 2023-08-03. Review status: criteria provided, single submitter. Criteria: Invitae Variant Classification Sherloc (09022015). Collection method: clinical testing. Allele origin: germline.
Comment: In summary, the available evidence is currently insufficient to determine the role of this variant in disease. Therefore, it has been classified as a Variant of Uncertain Significance. Advanced modeling of protein sequence and biophysical properties (such as structural, functional, and spatial information, amino acid conservation, physicochemical variation, residue mobility, and thermodynamic stability) performed at Invitae indicates that this missense variant is not expected to disrupt APC protein function. ClinVar contains an entry for this variant (Variation ID: 411485). This variant has not been reported in the literature in individuals affected with APC-related conditions. This variant is not present in population databases (gnomAD no frequency). This sequence change replaces proline, which is neutral and non-polar, with leucine, which is neutral and non-polar, at codon 1233 of the APC protein (p.Pro1233Leu).

Color Diagnostics, LLC DBA Color Health
Classification: Uncertain significance for Hereditary cancer-predisposing syndrome. Last evaluated: 2020-09-04. Review status: criteria provided, single submitter. Criteria: ACMG Guidelines, 2015. Collection method: clinical testing. Allele origin: germline.
Comment: This missense variant replaces proline with leucine at codon 1233 of the APC protein. Computational prediction is inconclusive regarding the impact of this variant on protein structure and function (internally defined REVEL score threshold 0.5 < inconclusive < 0.7, PMID: 27666373). To our knowledge, functional studies have not been reported for this variant. This variant has not been reported in individuals affected with hereditary cancer in the literature. This variant has not been identified in the general population by the Genome Aggregation Database (gnomAD). The available evidence is insufficient to determine the role of this variant in disease conclusively. Therefore, this variant is classified as a Variant of Uncertain Significance.

Ambry Genetics
Classification: Uncertain significance for Hereditary cancer-predisposing syndrome. Last evaluated: 2019-03-09. Review status: criteria provided, single submitter. Criteria: Ambry Variant Classification Scheme 2023. Collection method: clinical testing. Allele origin: germline.
Comment: The p.P1233L variant (also known as c.3698C>T), located in coding exon 15 of the APC gene, results from a C to T substitution at nucleotide position 3698. The proline at codon 1233 is replaced by leucine, an amino acid with similar properties. This amino acid position is highly conserved in available vertebrate species. In addition, in silico predictors for this gene do not accurately predict pathogenicity. Since supporting evidence is limited at this time, the clinical significance of this alteration remains unclear.